The following is an entry in ClinVar:

NM_001271696.3(ABCB7):c.1132A>G (p.Asn378Asp)

Gene: ABCB7 (ATP binding cassette subfamily B member 7; minus strand). Cytogenetic location: Xq13.3.
Variant type: single nucleotide variant.
Coding change: c.1132A>G on transcript NM_001271696.3 (MANE Select); coding-DNA position 1132, A replaced by G.
Protein change: p.Asn378Asp; replaces asparagine 378 with aspartic acid.
Molecular consequence: missense variant.
Genome position (GRCh38, 1-based): chrX:75,071,584, T>C on the plus strand (A>G on the coding strand, the complement: ABCB7 is on the minus strand). VCF-style: chrX-75071584-T-C. GRCh37 (hg19) VCF-style: chrX-74291419-T-C.
Other names: c.1012A>G, p.Asn338Asp (NM_001271697.3); c.1054A>G, p.Asn352Asp (NM_001271698.3); c.1015A>G, p.Asn339Asp (NM_001271699.3); c.1135A>G, p.Asn379Asp (NM_004299.6); short protein forms N338D, N339D, N352D, N378D, N379D.
Identifiers: ClinVar variation 1334855 (VCV001334855.5), dbSNP rs2147465341, ClinGen allele CA413676417.

ClinVar aggregate classification (germline): Uncertain significance. Review status: criteria provided, multiple submitters, no conflicts (2 of 4 stars). 2 submissions from 2 submitters: Uncertain significance (2). Last evaluated 2022-11-23.

Submissions (2):

GeneDx
Classification: Uncertain significance. Last evaluated: 2022-11-23. Review status: criteria provided, single submitter. Criteria: GeneDx Variant Classification Process June 2021. Collection method: clinical testing. Allele origin: germline. Affected: yes.
Comment: Not observed at significant frequency in large population cohorts (gnomAD); In silico analysis supports that this missense variant has a deleterious effect on protein structure/function; Has not been previously published as pathogenic or benign to our knowledge

Genetic Services Laboratory, University of Chicago
Classification: Uncertain significance. Last evaluated: 2018-07-11. Review status: criteria provided, single submitter. Criteria: ACMG Guidelines, 2015. Collection method: clinical testing. Allele origin: germline. Affected: no.